The following is an entry in ClinVar:

NM_001042492.3(NF1):c.200del (p.Asn67fs)

Gene: NF1 (neurofibromin 1; plus strand). Cytogenetic location: 17q11.2.
Variant type: Deletion.
Coding change: c.200del on transcript NM_001042492.3 (MANE Select); coding-DNA position 200, one base deleted (A; older notation c.200delA).
Protein change: p.Asn67fs; shifts the reading frame from asparagine 67.
Molecular consequence: frameshift variant.
Genome position (GRCh38, 1-based): chr17:31,156,122, A deleted; the last of 2 consecutive A bases (chr17:31,156,121-31,156,122); deleting either gives the same sequence. VCF-style (leftmost placement, unchanged base first): chr17-31156120-CA-C. GRCh37 (hg19) VCF-style: chr17-29483138-CA-C.
Other names: c.200del, p.Asn67fs (NM_001128147.3); c.200delA, p.Asn67Ilefs (NM_000267.4); c.200delA (NM_000267.3); short protein forms N67fs.
Identifiers: ClinVar variation 545870 (VCV000545870.3), dbSNP rs1555604942, ClinGen allele CA658824891.

ClinVar aggregate classification (germline): Pathogenic (1 of 4 stars; one submission).

Submission:

GeneDx
Classification: Pathogenic. Last evaluated: 2023-10-30. Review status: criteria provided, single submitter. Criteria: GeneDx Variant Classification Process June 2021. Collection method: clinical testing. Allele origin: germline. Affected: yes.
Comment: Frameshift variant predicted to result in protein truncation or nonsense mediated decay in a gene for which loss of function is a known mechanism of disease; Has not been previously published as pathogenic or benign to our knowledge; Not observed at significant frequency in large population cohorts (gnomAD)